The following is an entry in ClinVar:

NM_014339.7(IL17RA):c.2462C>T (p.Pro821Leu)

Gene: IL17RA (interleukin 17 receptor A; plus strand). Cytogenetic location: 22q11.1.
Variant type: single nucleotide variant.
Coding change: c.2462C>T on transcript NM_014339.7 (MANE Select); coding-DNA position 2462, C replaced by T.
Protein change: p.Pro821Leu; replaces proline 821 with leucine.
Molecular consequence: missense variant.
Genome position (GRCh38, 1-based): chr22:17,109,681, C>T. VCF-style: chr22-17109681-C-T. GRCh37 (hg19) VCF-style: chr22-17590571-C-T.
Other names: c.2360C>T, p.Pro787Leu (NM_001289905.2); short protein forms P787L, P821L.
Identifiers: ClinVar variation 1417577 (VCV001417577.6), dbSNP rs2123813612, ClinGen allele CA410222263.

ClinVar aggregate classification (germline): Uncertain significance (1 of 4 stars; one submission).

Conditions:
Immunodeficiency 51 (IMD51). Also called: CANDIDIASIS, FAMILIAL, 5. Identifiers: Orphanet 1334, MedGen C4310803, MONDO:0013500, OMIM 613953.

Submission:

Labcorp Genetics (formerly Invitae), Labcorp
Classification: Uncertain significance for Immunodeficiency 51. Last evaluated: 2021-09-23. Review status: criteria provided, single submitter. Criteria: Invitae Variant Classification Sherloc (09022015). Collection method: clinical testing. Allele origin: germline.
Comment: In summary, the available evidence is currently insufficient to determine the role of this variant in disease. Therefore, it has been classified as a Variant of Uncertain Significance. Algorithms developed to predict the effect of missense changes on protein structure and function output the following: SIFT: "Tolerated"; PolyPhen-2: "Benign"; Align-GVGD: "Class C0". The leucine amino acid residue is found in multiple mammalian species, which suggests that this missense change does not adversely affect protein function. This variant has not been reported in the literature in individuals affected with IL17RA-related conditions. This variant is not present in population databases (ExAC no frequency). This sequence change replaces proline with leucine at codon 821 of the IL17RA protein (p.Pro821Leu). The proline residue is weakly conserved and there is a moderate physicochemical difference between proline and leucine.